The following is an entry in ClinVar:

NM_021098.3(CACNA1H):c.3276A>T (p.Pro1092=)

Gene: CACNA1H (calcium voltage-gated channel subunit alpha1 H; plus strand). Cytogenetic location: 16p13.3.
Variant type: single nucleotide variant.
Coding change: c.3276A>T on transcript NM_021098.3 (MANE Select); coding-DNA position 3276, A replaced by T.
Protein change: p.Pro1092=; no amino-acid change (proline 1092 retained).
Molecular consequence: synonymous variant.
Genome position (GRCh38, 1-based): chr16:1,208,134, A>T. VCF-style: chr16-1208134-A-T. GRCh37 (hg19) VCF-style: chr16-1258134-A-T.
Other names: c.3276A>T, p.Pro1092= (NM_001005407.2).
Identifiers: ClinVar variation 460082 (VCV000460082.37), dbSNP rs200569619, ClinGen allele CA7800704.

ClinVar aggregate classification (germline): Benign/Likely benign. Review status: criteria provided, multiple submitters, no conflicts (2 of 4 stars). 4 submissions from 4 submitters: Benign (1); Likely benign (2). 1 of the submissions does not count toward it. Last evaluated 2025-12-01.

Conditions:
CACNA1H-related disorder.
Idiopathic generalized epilepsy. Also called: EIG; Generalised epilepsy. Identifiers: MedGen C0270850, MONDO:0005579, OMIM 600669.
Hyperaldosteronism, familial, type IV (HALD4). Also called: FH IV; ALDOSTERONISM, PRIMARY, AND HYPERTENSION. Identifiers: Orphanet 642671, MedGen C4310756, MONDO:0014875, OMIM 617027.

Allele frequency attached by ClinVar (database versions not stated): gnomAD 0.00080 and 0.00081; ESP Exome Variant Server 0.00081; gnomAD exomes 0.00085 and 0.00070; ExAC 0.00121; 1000 Genomes Project 30x 0.00016; TOPMed 0.00058.
gnomAD v4.1: 1,330 of 1,589,928 alleles (0.084%); highest among the groups gnomAD compares: Non-Finnish European, 0.097%; 2 homozygotes.

Submissions (4):

Labcorp Genetics (formerly Invitae), Labcorp
Classification: Benign for Idiopathic generalized epilepsy; Hyperaldosteronism, familial, type IV. Last evaluated: 2025-12-01. Review status: criteria provided, single submitter. Criteria: Invitae Variant Classification Sherloc (09022015). Collection method: clinical testing. Allele origin: germline.

Blueprint Genetics
Classification: Likely benign. Last evaluated: 2024-10-30. Review status: criteria provided, single submitter. Criteria: ACMG Guidelines, 2015. Collection method: clinical testing. Allele origin: germline.

CeGaT Center for Human Genetics Tuebingen
Classification: Likely benign. Last evaluated: 2024-10-01. Review status: criteria provided, single submitter. Criteria: CeGaT Center For Human Genetics Tuebingen Variant Classification Criteria Version 2. Collection method: clinical testing. Allele origin: germline. Affected: yes. Observed: 2 variant alleles.
Comment: CACNA1H: BP4, BP7

PreventionGenetics, part of Exact Sciences
Classification: Likely benign for CACNA1H-related condition. Last evaluated: 2019-11-12. Review status: no assertion criteria provided. Collection method: clinical testing. Allele origin: germline. Not counted in ClinVar's aggregate classification.
Comment: This variant is classified as likely benign based on ACMG/AMP sequence variant interpretation guidelines (Richards et al. 2015 PMID: 25741868, with internal and published modifications).